The following is an entry in ClinVar:

NM_004525.3(LRP2):c.9256C>T (p.Arg3086Cys)

Gene: LRP2 (LDL receptor related protein 2; minus strand). Cytogenetic location: 2q31.1.
Variant type: single nucleotide variant.
Coding change: c.9256C>T on transcript NM_004525.3 (MANE Select); coding-DNA position 9256, C replaced by T.
Protein change: p.Arg3086Cys; replaces arginine 3086 with cysteine.
Molecular consequence: missense variant.
Genome position (GRCh38, 1-based): chr2:169,188,042, G>A on the plus strand (C>T on the coding strand, the complement: LRP2 is on the minus strand). VCF-style: chr2-169188042-G-A. GRCh37 (hg19) VCF-style: chr2-170044552-G-A.
Other names: short protein forms R3086C.
Identifiers: ClinVar variation 1365065 (VCV001365065.4), dbSNP rs761770923, ClinGen allele CA1953631.
Genomic context (GRCh38, chr2:169,188,042, plus strand): 5'-CATCGCTGTTGTCCAAACAGTCATCTAGGTGGTTGCAGAGTTTCATCATCTCGATGCAGC[G>A]CCCATTGTCACACTTGAACTCGTGAGGTGGACACGTGGGTTCTGGGGTGTGGCACAGGTG-3'
Protein context (NP_004516.2, residues 3076-3096): PPHEFKCDNG[Arg3086Cys]CIEMMKLCNH

ClinVar aggregate classification (germline): Uncertain significance (1 of 4 stars; one submission).

Allele frequency attached by ClinVar (database versions not stated): gnomAD 0.00001; gnomAD exomes 0.00001 and 0.00002; TOPMed 0.00002; ExAC 0.00003.
gnomAD v4.1: 25 of 1,613,828 alleles (0.0015%); highest among the groups gnomAD compares: East Asian, 0.0045%; no homozygotes.

Submission:

Labcorp Genetics (formerly Invitae), Labcorp
Classification: Uncertain significance. Last evaluated: 2024-07-01. Review status: criteria provided, single submitter. Criteria: Invitae Variant Classification Sherloc (09022015). Collection method: clinical testing. Allele origin: germline.
Comment: This sequence change replaces arginine, which is basic and polar, with cysteine, which is neutral and slightly polar, at codon 3086 of the LRP2 protein (p.Arg3086Cys). This variant is present in population databases (rs761770923, gnomAD 0.006%). This missense change has been observed in individual(s) with craniosynostosis (PMID: 37086723). ClinVar contains an entry for this variant (Variation ID: 1365065). An algorithm developed to predict the effect of missense changes on protein structure and function (PolyPhen-2) suggests that this variant is likely to be disruptive. In summary, the available evidence is currently insufficient to determine the role of this variant in disease. Therefore, it has been classified as a Variant of Uncertain Significance.

Literature cited by the submitters: PubMed 37086723.